The following is an entry in ClinVar:

ClinVar aggregate classification (germline): Likely benign. Review status: criteria provided, multiple submitters, no conflicts (2 of 4 stars). 3 submissions from 3 submitters: Likely benign (3). Last evaluated 2025-12-19.

Conditions:
MYO7A-related disorder. Also called: MYO7A-related disorders.

Allele frequency attached by ClinVar (database versions not stated): gnomAD 0.00001; TOPMed 0.00002; gnomAD exomes 0.00003 and 0.00006; ExAC 0.00005.

Submissions (3):

Labcorp Genetics (formerly Invitae), Labcorp
Classification: Likely benign. Last evaluated: 2025-12-19. Review status: criteria provided, single submitter. Criteria: Invitae Variant Classification Sherloc (09022015). Collection method: clinical testing. Allele origin: germline.

PreventionGenetics, part of Exact Sciences
Classification: Likely benign for MYO7A-related condition. Last evaluated: 2024-12-03. Review status: criteria provided, single submitter. Criteria: ACMG Guidelines, 2015. Collection method: clinical testing. Allele origin: germline.
Comment: This variant is classified as likely benign based on ACMG/AMP sequence variant interpretation guidelines (Richards et al. 2015 PMID: 25741868, with internal and published modifications).

Blueprint Genetics
Classification: Likely benign. Last evaluated: 2022-02-24. Review status: criteria provided, single submitter. Criteria: ACMG Guidelines, 2015. Collection method: clinical testing. Allele origin: germline.

NM_000260.4(MYO7A):c.4407C>T (p.Leu1469=)

Gene: MYO7A (myosin VIIA; plus strand). Cytogenetic location: 11q13.5.
Variant type: single nucleotide variant.
Coding change: c.4407C>T on transcript NM_000260.4 (MANE Select); coding-DNA position 4407, C replaced by T.
Protein change: p.Leu1469=; no amino-acid change (leucine 1469 retained).
Molecular consequence: synonymous variant.
Genome position (GRCh38, 1-based): chr11:77,197,564, C>T. VCF-style: chr11-77197564-C-T. GRCh37 (hg19) VCF-style: chr11-76908609-C-T.
Other names: c.4407C>T, p.Leu1469= (NM_001127180.2); c.4374C>T, p.Leu1458= (NM_001369365.1).
Identifiers: ClinVar variation 764712 (VCV000764712.12), dbSNP rs747856394, ClinGen allele CA6198438.